The following is an entry in ClinVar:

NM_001042492.3(NF1):c.5891A>G (p.Asp1964Gly)

Gene: NF1 (neurofibromin 1; plus strand). Cytogenetic location: 17q11.2.
Variant type: single nucleotide variant.
Coding change: c.5891A>G on transcript NM_001042492.3 (MANE Select); coding-DNA position 5891, A replaced by G.
Protein change: p.Asp1964Gly; replaces aspartic acid 1964 with glycine.
Molecular consequence: missense variant.
Genome position (GRCh38, 1-based): chr17:31,334,916, A>G. VCF-style: chr17-31334916-A-G. GRCh37 (hg19) VCF-style: chr17-29661934-A-G.
Other names: c.5828A>G, p.Asp1943Gly (NM_000267.4); short protein forms D1943G, D1964G.
Identifiers: ClinVar variation 3237847 (VCV003237847.1), dbSNP rs2508736702.

ClinVar aggregate classification (germline): Uncertain significance (1 of 4 stars; one submission).

Conditions:
Hereditary cancer-predisposing syndrome. Also called: Neoplastic Syndromes, Hereditary; Tumor predisposition; Hereditary neoplastic syndrome; Hereditary Cancer Syndrome. Identifiers: Orphanet 140162, MedGen C0027672, MeSH D009386, MONDO:0015356.
Cardiovascular phenotype. Identifiers: MedGen CN230736.

Allele frequency attached by ClinVar (database versions not stated): gnomAD exomes below 0.00001.

Submission:

Ambry Genetics
Classification: Uncertain significance for Cardiovascular phenotype; Hereditary cancer-predisposing syndrome. Last evaluated: 2023-07-24. Review status: criteria provided, single submitter. Criteria: Ambry Variant Classification Scheme 2023. Collection method: clinical testing. Allele origin: germline.
Comment: The p.D1943G variant (also known as c.5828A>G), located in coding exon 39 of the NF1 gene, results from an A to G substitution at nucleotide position 5828. The aspartic acid at codon 1943 is replaced by glycine, an amino acid with similar properties. This amino acid position is conserved. In addition, the in silico prediction for this alteration is inconclusive. Since supporting evidence is limited at this time, the clinical significance of this alteration remains unclear.